The following is an entry in ClinVar:

ClinVar aggregate classification (germline): Uncertain significance (1 of 4 stars; one submission).

Submission:

Dasa
Classification: Uncertain significance. Last evaluated: 2024-11-05. Review status: criteria provided, single submitter. Criteria: DASA Assertion Criteria. Collection method: clinical testing. Allele origin: germline.
Comment: NM_015559.3(SETBP1):c.1266G>C (p.Gln422His) is a missense variant that results in the substitution of glutamine with histidine. This variant is absent from population databases. Computational prediction algorithms are consistent with a benign effect. The currently available literature and clinical evidence are not sufficient to establish a definitive association between this variant and the reported condition. Therefore, this variant is classified as a variant of uncertain significance.

NM_015559.3(SETBP1):c.1266G>C (p.Gln422His)

Gene: SETBP1 (SET binding protein 1; plus strand). Cytogenetic location: 18q12.3.
Variant type: single nucleotide variant.
Coding change: c.1266G>C on transcript NM_015559.3 (MANE Select); coding-DNA position 1266, G replaced by C.
Protein change: p.Gln422His; replaces glutamine 422 with histidine.
Molecular consequence: missense variant.
Genome position (GRCh38, 1-based): chr18:44,950,606, G>C. VCF-style: chr18-44950606-G-C. GRCh37 (hg19) VCF-style: chr18-42530571-G-C.
Other names: c.1266G>C, p.Gln422His (NM_001379141.1, NM_001379142.1, NM_001410862.1); short protein forms Q422H.
Identifiers: ClinVar variation 4883525 (VCV004883525.2).
Genomic context (GRCh38, chr18:44,950,606, plus strand): 5'-TACTATCCCCATCAAGGCACCCTCTCTGGATCCAACCAACCATAAGAGGAAAAAAAGACA[G>C]TCCATTAAAGCGGTGGTGGAAAAGATCATGCCAGAGAAAGCCTTGGCTTCTGGAATCACC-3'
Protein context (NP_056374.2, residues 412-432): DPTNHKRKKR[Gln422His]SIKAVVEKIM